The following is an entry in ClinVar:

NM_032119.4(ADGRV1):c.3583A>G (p.Lys1195Glu)

Gene: ADGRV1 (adhesion G protein-coupled receptor V1; plus strand). Cytogenetic location: 5q14.3.
Variant type: single nucleotide variant.
Coding change: c.3583A>G on transcript NM_032119.4 (MANE Select); coding-DNA position 3583, A replaced by G.
Protein change: p.Lys1195Glu; replaces lysine 1195 with glutamic acid.
Molecular consequence: missense variant. On other transcripts: non-coding transcript variant (1).
Genome position (GRCh38, 1-based): chr5:90,652,512, A>G. VCF-style: chr5-90652512-A-G. GRCh37 (hg19) VCF-style: chr5-89948329-A-G.
Other names: short protein forms K1195E.
Identifiers: ClinVar variation 1003400 (VCV001003400.9), dbSNP rs550263644, ClinGen allele CA3339209.

ClinVar aggregate classification (germline): Uncertain significance (1 of 4 stars; one submission).

Allele frequency attached by ClinVar (database versions not stated): gnomAD exomes below 0.00001; ExAC 0.00001; gnomAD 0.00001; 1000 Genomes Project 30x 0.00016; 1000 Genomes Project 0.00020.
gnomAD v4.1: 2 of 1,613,030 alleles (0.00012%); highest among the groups gnomAD compares: Admixed American, 0.0017%; no homozygotes.

Submission:

Labcorp Genetics (formerly Invitae), Labcorp
Classification: Uncertain significance. Last evaluated: 2025-11-17. Review status: criteria provided, single submitter. Criteria: Invitae Variant Classification Sherloc (09022015). Collection method: clinical testing. Allele origin: germline.
Comment: This sequence change replaces lysine, which is basic and polar, with glutamic acid, which is acidic and polar, at codon 1195 of the ADGRV1 protein (p.Lys1195Glu). This variant is present in population databases (rs550263644, gnomAD 0.003%). This variant has not been reported in the literature in individuals affected with ADGRV1-related conditions. ClinVar contains an entry for this variant (Variation ID: 1003400). Invitae Evidence Modeling of protein sequence and biophysical properties (such as structural, functional, and spatial information, amino acid conservation, physicochemical variation, residue mobility, and thermodynamic stability) indicates that this missense variant is not expected to disrupt ADGRV1 protein function with a negative predictive value of 95%. In summary, the available evidence is currently insufficient to determine the role of this variant in disease. Therefore, it has been classified as a Variant of Uncertain Significance.